The following is an entry in ClinVar:

NM_003072.5(SMARCA4):c.3966C>T (p.Asp1322=)

Gene: SMARCA4 (SWI/SNF related BAF chromatin remodeling complex subunit ATPase 4; plus strand). Cytogenetic location: 19p13.2.
Variant type: single nucleotide variant.
Coding change: c.3966C>T on transcript NM_003072.5 (MANE Select); coding-DNA position 3966, C replaced by T.
Protein change: p.Asp1322=; no amino-acid change (aspartic acid 1322 retained).
Molecular consequence: synonymous variant. On other transcripts: non-coding transcript variant (1).
Genome position (GRCh38, 1-based): chr19:11,034,928, C>T. VCF-style: chr19-11034928-C-T. GRCh37 (hg19) VCF-style: chr19-11145604-C-T.
Other names: c.3966C>T, p.Asp1322= (NM_001128844.3, NM_001128849.3, NM_001387283.1); c.3867C>T, p.Asp1289= (NM_001128845.2, NM_001128846.2, NM_001128847.4 and 2 more transcripts).
Identifiers: ClinVar variation 238443 (VCV000238443.15), dbSNP rs878854217, ClinGen allele CA10583747.
Genomic context (GRCh38, chr19:11,034,928, plus strand): 5'-GGTGCCTGCATGCTGATGCCTCTCCCGTTGCCTCCCTGCCCACCAGCGCATGGACCTGGA[C>T]CGCAGGCGCGAGGAGGCCCGCAACCCCAAGCGGAAGCCGCGCCTCATGGAGGAGGACGAG-3'
Protein context (NP_003063.2, residues 1312-1332): EFDLFMRMDL[Asp1322=]RRREEARNPK

ClinVar aggregate classification (germline): Benign/Likely benign. Review status: criteria provided, multiple submitters, no conflicts (2 of 4 stars). 3 submissions from 3 submitters: Benign (1); Likely benign (2). Last evaluated 2026-07-17.

Conditions:
Hereditary cancer-predisposing syndrome. Also called: Hereditary Cancer Syndrome; Tumor predisposition; Hereditary neoplastic syndrome; Neoplastic Syndromes, Hereditary. Identifiers: Orphanet 140162, MedGen C0027672, MeSH D009386, MONDO:0015356.
Rhabdoid tumor predisposition syndrome 2 (RTPS2). Identifiers: Orphanet 231108, Orphanet 69077, MedGen C2750074, MONDO:0013224, OMIM 613325.

Allele frequency attached by ClinVar (database versions not stated): TOPMed 0.00001; gnomAD 0.00002.
gnomAD v4.1: 3 of 1,569,284 alleles (0.00019%); highest among the groups gnomAD compares: Non-Finnish European, 0.00026%; no homozygotes.

Submissions (3):

Myriad Genetics, Inc.
Classification: Benign for Rhabdoid tumor predisposition syndrome 2. Last evaluated: 2026-07-17. Review status: criteria provided, single submitter. Criteria: Myriad Autosomal Dominant, Autosomal Recessive and X-Linked Classification Criteria (2023). Collection method: clinical testing. Allele origin: unknown.
Comment: This variant is considered benign. This variant is a silent/synonymous amino acid change and it is not expected to impact splicing.

Labcorp Genetics (formerly Invitae), Labcorp
Classification: Likely benign for Rhabdoid tumor predisposition syndrome 2. Last evaluated: 2025-12-28. Review status: criteria provided, single submitter. Criteria: Invitae Variant Classification Sherloc (09022015). Collection method: clinical testing. Allele origin: germline.

Ambry Genetics
Classification: Likely benign for Hereditary cancer-predisposing syndrome. Last evaluated: 2016-09-29. Review status: criteria provided, single submitter. Criteria: Ambry Variant Classification Scheme 2023. Collection method: clinical testing. Allele origin: germline.